The following is an entry in ClinVar:

ClinVar aggregate classification (germline): Uncertain significance (1 of 4 stars; one submission).

Submission:

Labcorp Genetics (formerly Invitae), Labcorp
Classification: Uncertain significance. Last evaluated: 2025-01-13. Review status: criteria provided, single submitter. Criteria: Invitae Variant Classification Sherloc (09022015). Collection method: clinical testing. Allele origin: germline.
Comment: This sequence change replaces alanine, which is neutral and non-polar, with threonine, which is neutral and polar, at codon 438 of the RIPK1 protein (p.Ala438Thr). This variant is not present in population databases (gnomAD no frequency). This variant has not been reported in the literature in individuals affected with RIPK1-related conditions. An algorithm developed to predict the effect of missense changes on protein structure and function outputs the following: PolyPhen-2: "Benign". The threonine amino acid residue is found in multiple mammalian species, which suggests that this missense change does not adversely affect protein function. In summary, the available evidence is currently insufficient to determine the role of this variant in disease. Therefore, it has been classified as a Variant of Uncertain Significance.

NM_001354930.2(RIPK1):c.1312G>A (p.Ala438Thr)

Gene: RIPK1 (receptor interacting serine/threonine kinase 1; plus strand). Cytogenetic location: 6p25.2.
Variant type: single nucleotide variant.
Coding change: c.1312G>A on transcript NM_001354930.2 (MANE Select); coding-DNA position 1312, G replaced by A.
Protein change: p.Ala438Thr; replaces alanine 438 with threonine.
Molecular consequence: missense variant.
Genome position (GRCh38, 1-based): chr6:3,105,787, G>A. VCF-style: chr6-3105787-G-A. GRCh37 (hg19) VCF-style: chr6-3106021-G-A.
Other names: c.823G>A, p.Ala275Thr (NM_001317061.3, NM_001354932.2, NM_001354933.2 and 1 more transcripts); c.1174G>A, p.Ala392Thr (NM_001354931.2); c.1312G>A, p.Ala438Thr (NM_003804.6); short protein forms A392T, A275T, A438T.
Identifiers: ClinVar variation 3728922 (VCV003728922.2).